The following is an entry in ClinVar:

ClinVar aggregate classification (germline): Uncertain significance (1 of 4 stars; one submission).

Allele frequency attached by ClinVar (database versions not stated): gnomAD exomes below 0.00001.
gnomAD v4.1: 1 of 1,614,038 alleles (0.000062%); highest among the groups gnomAD compares: Middle Eastern, 0.016%; no homozygotes.

Submission:

GeneDx
Classification: Uncertain significance. Last evaluated: 2019-07-29. Review status: criteria provided, single submitter. Criteria: GeneDx Variant Classification Process June 2021. Collection method: clinical testing. Allele origin: germline. Affected: yes.
Comment: Not observed in large population cohorts (Lek et al., 2016); Nonsense variant predicted to result in protein truncation or nonsense mediated decay in a gene for which loss-of-function is not a known mechanism of disease; This variant is associated with the following publications: (PMID: 26077850, 23243086, 23065719)

NM_004667.6(HERC2):c.9490C>T (p.Gln3164Ter)

Gene: HERC2 (HECT and RLD domain containing E3 ubiquitin protein ligase 2; minus strand). Cytogenetic location: 15q13.1.
Variant type: single nucleotide variant.
Coding change: c.9490C>T on transcript NM_004667.6 (MANE Select); coding-DNA position 9490, C replaced by T.
Protein change: p.Gln3164Ter; replaces glutamine 3164 with a stop codon.
Molecular consequence: nonsense.
Genome position (GRCh38, 1-based): chr15:28,176,711, G>A on the plus strand (C>T on the coding strand, the complement: HERC2 is on the minus strand). VCF-style: chr15-28176711-G-A. GRCh37 (hg19) VCF-style: chr15-28421857-G-A.
Other names: short protein forms Q3164*.
Identifiers: ClinVar variation 503621 (VCV000503621.3), dbSNP rs1555416089, ClinGen allele CA391384486.
Genomic context (GRCh38, chr15:28,176,711, plus strand): 5'-CCCACCCAGAAGCACAGAATCCTGCCAGCCACTCACCTTCATCGGTCAGAGCCAGGGTCT[G>A]CGCGTCTCTACTCCCACATGCAACCTGGATTACTCTGTGACCGAGAAGGACTTTCACCTA-3'